The following is an entry in ClinVar:

ClinVar aggregate classification (germline): Uncertain significance. Review status: criteria provided, multiple submitters, no conflicts (2 of 4 stars). 5 submissions from 5 submitters: Uncertain significance (3). 2 of the submissions do not count toward it. Last evaluated 2024-03-08.

Conditions:
Familial Mediterranean fever (FMF). Also called: POLYSEROSITIS, FAMILIAL PAROXYSMAL; POLYSEROSITIS, RECURRENT; Periodic peritonitis; Benign paroxysmal peritonitis. Identifiers: Orphanet 342, MedGen C0031069, MONDO:0018088, OMIM 249100. Disease mechanism: gain of function.

Allele frequency attached by ClinVar (database versions not stated): ExAC 0.00001; TOPMed 0.00002; gnomAD 0.00001; gnomAD exomes 0.00001.

Submissions (5):

Women's Health and Genetics/Laboratory Corporation of America, LabCorp
Classification: Uncertain significance. Last evaluated: 2024-03-08. Review status: criteria provided, single submitter. Criteria: LabCorp Variant Classification Summary - May 2015. Collection method: clinical testing. Allele origin: germline.
Comment: Variant summary: MEFV c.1559A>T (p.Glu520Val) results in a non-conservative amino acid change in the encoded protein sequence. Three of five in-silico tools predict a benign effect of the variant on protein function. The variant allele was found at a frequency of 8e-06 in 251344 control chromosomes. The available data on variant occurrences in the general population are insufficient to allow any conclusion about variant significance. c.1559A>T has been reported in the literature in at least one heterozygous individual affected with Familial Mediterranean Fever (e.g. Celiksoy_2020), or as a complex genotype (phase not specified) in individuals with suspicion of autoinflammatory disease (e.g. Kirnaz_2022). These reports do not provide unequivocal conclusions about association of the variant with Familial Mediterranean Fever. To our knowledge, no experimental evidence demonstrating an impact on protein function has been reported. The following publications have been ascertained in the context of this evaluation (PMID: 32359823, 35358658). ClinVar contains an entry for this variant (Variation ID: 1059266). Based on the evidence outlined above, the variant was classified as uncertain significance.

Labcorp Genetics (formerly Invitae), Labcorp
Classification: Uncertain significance for Familial Mediterranean fever. Last evaluated: 2022-08-15. Review status: criteria provided, single submitter. Criteria: Invitae Variant Classification Sherloc (09022015). Collection method: clinical testing. Allele origin: germline.
Comment: This sequence change replaces glutamic acid, which is acidic and polar, with valine, which is neutral and non-polar, at codon 520 of the MEFV protein (p.Glu520Val). This variant is present in population databases (rs769888172, gnomAD 0.006%). This missense change has been observed in individual(s) with clinical features of MEFV-related conditions (PMID: 15300846). ClinVar contains an entry for this variant (Variation ID: 1059266). Algorithms developed to predict the effect of missense changes on protein structure and function (SIFT, PolyPhen-2, Align-GVGD) all suggest that this variant is likely to be tolerated. Algorithms developed to predict the effect of sequence changes on RNA splicing suggest that this variant may create or strengthen a splice site. In summary, the available evidence is currently insufficient to determine the role of this variant in disease. Therefore, it has been classified as a Variant of Uncertain Significance.

Genome-Nilou Lab
Classification: Uncertain significance for Familial Mediterranean fever. Last evaluated: 2021-07-14. Review status: criteria provided, single submitter. Criteria: ACMG Guidelines, 2015. Collection method: clinical testing. Allele origin: germline. Affected: no.

Molecular Genetics Laboratory, BC Children's and BC Women's Hospitals
Classification: Uncertain significance for Familial Mediterranean fever. Last evaluated: 2022-10-07. Review status: no assertion criteria provided. Criteria: ACMG Guidelines, 2015. Collection method: clinical testing. Allele origin: germline. Affected: yes. Not counted in ClinVar's aggregate classification.

Natera, Inc.
Classification: Uncertain significance for Familial Mediterranean fever. Last evaluated: 2020-03-27. Review status: no assertion criteria provided. Collection method: clinical testing. Allele origin: germline. Not counted in ClinVar's aggregate classification.

Literature cited by the submitters: PubMed 32359823 (cited by Women's Health and Genetics/Laboratory Corporation of America, LabCorp); PubMed 35358658 (cited by Women's Health and Genetics/Laboratory Corporation of America, LabCorp); PubMed 15300846 (cited by Labcorp Genetics (formerly Invitae), Labcorp).

NM_000243.3(MEFV):c.1559A>T (p.Glu520Val)

Gene: MEFV (MEFV innate immunity regulator, pyrin; minus strand). Cytogenetic location: 16p13.3.
Variant type: single nucleotide variant.
Coding change: c.1559A>T on transcript NM_000243.3 (MANE Select); coding-DNA position 1559, A replaced by T.
Protein change: p.Glu520Val; replaces glutamic acid 520 with valine.
Molecular consequence: missense variant.
Genome position (GRCh38, 1-based): chr16:3,247,044, T>A on the plus strand (A>T on the coding strand, the complement: MEFV is on the minus strand). VCF-style: chr16-3247044-T-A. GRCh37 (hg19) VCF-style: chr16-3297044-T-A.
Other names: c.1559A>T (NM_000243.2); c.926A>T, p.Glu309Val (NM_001198536.2); short protein forms E309V, E520V.
Identifiers: ClinVar variation 1059266 (VCV001059266.12), dbSNP rs769888172, ClinGen allele CA7860104.